The following is an entry in ClinVar:

NM_001089.3(ABCA3):c.182C>G (p.Ser61Cys)

Gene: ABCA3 (ATP binding cassette subfamily A member 3; minus strand). Cytogenetic location: 16p13.3.
Variant type: single nucleotide variant.
Coding change: c.182C>G on transcript NM_001089.3 (MANE Select); coding-DNA position 182, C replaced by G.
Protein change: p.Ser61Cys; replaces serine 61 with cysteine.
Molecular consequence: missense variant.
Genome position (GRCh38, 1-based): chr16:2,326,147, G>C on the plus strand (C>G on the coding strand, the complement: ABCA3 is on the minus strand). VCF-style: chr16-2326147-G-C. GRCh37 (hg19) VCF-style: chr16-2376148-G-C.
Other names: short protein forms S61C.
Identifiers: ClinVar variation 2497327 (VCV002497327.2), dbSNP rs1457878698, ClinGen allele CA394352413.
Genomic context (GRCh38, chr16:2,326,147, plus strand): 5'-GCAAGCTCCCAGGTGTCTCCTGGCGGAGGGAAGGTGAAGAACAGAGGCAGCTCCTGGATG[G>C]ACTGGCCCGGGTAGATGGTGGCGTTGGGCACATTTTCCGACTGAATCTTCAAGCGGAGCC-3'
Protein context (NP_001080.2, residues 51-71): VPNATIYPGQ[Ser61Cys]IQELPLFFTF

ClinVar aggregate classification (germline): Uncertain significance (1 of 4 stars; one submission).

Conditions:
Hereditary pulmonary alveolar proteinosis. Also called: Pulmonary surfactant metabolism dysfunction. Identifiers: Orphanet 264675, MedGen C3711368, MONDO:0012580.

gnomAD v4.1: 3 of 1,614,162 alleles (0.00019%); highest among the groups gnomAD compares: Non-Finnish European, 0.00025%; no homozygotes.

Submission:

Ambry Genetics
Classification: Uncertain significance for Hereditary pulmonary alveolar proteinosis. Last evaluated: 2022-11-07. Review status: criteria provided, single submitter. Criteria: Ambry Variant Classification Scheme 2023. Collection method: clinical testing. Allele origin: germline.
Comment: The p.S61C variant (also known as c.182C>G), located in coding exon 2 of the ABCA3 gene, results from a C to G substitution at nucleotide position 182. The serine at codon 61 is replaced by cysteine, an amino acid with dissimilar properties. This amino acid position is conserved. In addition, this alteration is predicted to be tolerated by in silico analysis. Since supporting evidence is limited at this time, the clinical significance of this alteration remains unclear.